The following is an entry in ClinVar:

ClinVar aggregate classification (germline): Uncertain significance (1 of 4 stars; one submission).

Allele frequency attached by ClinVar (database versions not stated): gnomAD exomes below 0.00001 and 0.00001; gnomAD 0.00001; ExAC 0.00002; TOPMed 0.00003.
gnomAD v4.1: 9 of 1,612,570 alleles (0.00056%); highest among the groups gnomAD compares: East Asian, 0.016%; no homozygotes.

Submission:

Labcorp Genetics (formerly Invitae), Labcorp
Classification: Uncertain significance. Last evaluated: 2024-06-03. Review status: criteria provided, single submitter. Criteria: Invitae Variant Classification Sherloc (09022015). Collection method: clinical testing. Allele origin: germline.
Comment: This sequence change replaces glycine, which is neutral and non-polar, with serine, which is neutral and polar, at codon 1308 of the LRP5 protein (p.Gly1308Ser). This variant is present in population databases (rs764890075, gnomAD 0.006%). This missense change has been observed in individual(s) with familial exudative vitreoretinopathy (PMID: 30097784). ClinVar contains an entry for this variant (Variation ID: 1043164). Advanced modeling of protein sequence and biophysical properties (such as structural, functional, and spatial information, amino acid conservation, physicochemical variation, residue mobility, and thermodynamic stability) has been performed at Invitae for this missense variant, however the output from this modeling did not meet the statistical confidence thresholds required to predict the impact of this variant on LRP5 protein function. In summary, the available evidence is currently insufficient to determine the role of this variant in disease. Therefore, it has been classified as a Variant of Uncertain Significance.

Literature cited by the submitters: PubMed 30097784.

NM_002335.4(LRP5):c.3922G>A (p.Gly1308Ser)

Gene: LRP5 (LDL receptor related protein 5; plus strand). Cytogenetic location: 11q13.2.
Variant type: single nucleotide variant.
Coding change: c.3922G>A on transcript NM_002335.4 (MANE Select); coding-DNA position 3922, G replaced by A.
Protein change: p.Gly1308Ser; replaces glycine 1308 with serine.
Molecular consequence: missense variant.
Genome position (GRCh38, 1-based): chr11:68,433,760, G>A. VCF-style: chr11-68433760-G-A. GRCh37 (hg19) VCF-style: chr11-68201228-G-A.
Other names: c.2179G>A, p.Gly727Ser (NM_001291902.2); short protein forms G1308S, G727S.
Identifiers: ClinVar variation 1043164 (VCV001043164.8), dbSNP rs764890075, ClinGen allele CA6150159.